The following is an entry in ClinVar:

ClinVar aggregate classification (germline): Uncertain significance (1 of 4 stars; one submission).

Conditions:
Intellectual disability. Also called: Intellectual functioning disability; Intellectual developmental disorder; intellectual disabilities. Identifiers: MedGen C3714756, MeSH D008607, MONDO:0001071, HP:0001249.

Allele frequency attached by ClinVar (database versions not stated): gnomAD exomes below 0.00001.
gnomAD v4.1: 1 of 1,613,894 alleles (0.000062%); highest among the groups gnomAD compares: South Asian, 0.0011%; no homozygotes.

Submission:

Labcorp Genetics (formerly Invitae), Labcorp
Classification: Uncertain significance for Intellectual disability. Last evaluated: 2024-03-06. Review status: criteria provided, single submitter. Criteria: Invitae Variant Classification Sherloc (09022015). Collection method: clinical testing. Allele origin: germline.
Comment: This sequence change replaces isoleucine, which is neutral and non-polar, with valine, which is neutral and non-polar, at codon 101 of the GABRB2 protein (p.Ile101Val). This variant is not present in population databases (gnomAD no frequency). This variant has not been reported in the literature in individuals affected with GABRB2-related conditions. ClinVar contains an entry for this variant (Variation ID: 1053335). Advanced modeling of protein sequence and biophysical properties (such as structural, functional, and spatial information, amino acid conservation, physicochemical variation, residue mobility, and thermodynamic stability) performed at Invitae indicates that this missense variant is not expected to disrupt GABRB2 protein function with a negative predictive value of 95%. In summary, the available evidence is currently insufficient to determine the role of this variant in disease. Therefore, it has been classified as a Variant of Uncertain Significance.

NM_001371727.1(GABRB2):c.301A>G (p.Ile101Val)

Gene: GABRB2 (gamma-aminobutyric acid type A receptor subunit beta2; minus strand). Cytogenetic location: 5q34.
Variant type: single nucleotide variant.
Coding change: c.301A>G on transcript NM_001371727.1 (MANE Select); coding-DNA position 301, A replaced by G.
Protein change: p.Ile101Val; replaces isoleucine 101 with valine.
Molecular consequence: missense variant.
Genome position (GRCh38, 1-based): chr5:161,459,781, T>C on the plus strand (A>G on the coding strand, the complement: GABRB2 is on the minus strand). VCF-style: chr5-161459781-T-C. GRCh37 (hg19) VCF-style: chr5-160886787-T-C.
Other names: c.301A>G, p.Ile101Val (NM_000813.3, NM_021911.3); short protein forms I101V.
Identifiers: ClinVar variation 1053335 (VCV001053335.12), dbSNP rs2113264009, ClinGen allele CA362174043.